The following is an entry in ClinVar:

NM_003200.5(TCF3):c.1463C>T (p.Ala488Val)

Gene: TCF3 (transcription factor 3; minus strand). Cytogenetic location: 19p13.3.
Variant type: single nucleotide variant.
Coding change: c.1463C>T on transcript NM_003200.5 (MANE Select); coding-DNA position 1463, C replaced by T.
Protein change: p.Ala488Val; replaces alanine 488 with valine.
Molecular consequence: missense variant.
Genome position (GRCh38, 1-based): chr19:1,615,809, G>A on the plus strand (C>T on the coding strand, the complement: TCF3 is on the minus strand). VCF-style: chr19-1615809-G-A. GRCh37 (hg19) VCF-style: chr19-1615808-G-A.
Other names: c.1463C>T, p.Ala488Val (NM_001136139.4, NM_001351779.2); c.1460C>T, p.Ala487Val (NM_001351778.2); short protein forms A487V, A488V.
Identifiers: ClinVar variation 3620680 (VCV003620680.2).

ClinVar aggregate classification (germline): Uncertain significance (1 of 4 stars; one submission).

gnomAD v4.1: 3 of 1,566,340 alleles (0.00019%); highest among the groups gnomAD compares: African/African-American, 0.0027%; no homozygotes.

Submission:

Labcorp Genetics (formerly Invitae), Labcorp
Classification: Uncertain significance. Last evaluated: 2024-12-03. Review status: criteria provided, single submitter. Criteria: Invitae Variant Classification Sherloc (09022015). Collection method: clinical testing. Allele origin: germline.
Comment: This sequence change replaces alanine, which is neutral and non-polar, with valine, which is neutral and non-polar, at codon 488 of the TCF3 protein (p.Ala488Val). This variant is not present in population databases (gnomAD no frequency). This variant has not been reported in the literature in individuals affected with TCF3-related conditions. Invitae Evidence Modeling of protein sequence and biophysical properties (such as structural, functional, and spatial information, amino acid conservation, physicochemical variation, residue mobility, and thermodynamic stability) indicates that this missense variant is not expected to disrupt TCF3 protein function with a negative predictive value of 80%. In summary, the available evidence is currently insufficient to determine the role of this variant in disease. Therefore, it has been classified as a Variant of Uncertain Significance.